The following is an entry in ClinVar:

ClinVar aggregate classification (germline): Uncertain significance (1 of 4 stars; one submission).

Conditions:
Congenital myasthenic syndrome 8. Also called: MYASTHENIC SYNDROME, CONGENITAL, DUE TO AGRIN DEFICIENCY; Myasthenic syndrome, congenital, 8, with pre- and postsynaptic defects. Identifiers: Orphanet 590, MedGen C3808739, MONDO:0014052, OMIM 615120.

Allele frequency attached by ClinVar (database versions not stated): gnomAD exomes below 0.00001 and 0.00001.
gnomAD v4.1: 2 of 1,580,458 alleles (0.00013%); highest among the groups gnomAD compares: Admixed American, 0.0037%; no homozygotes.

Submission:

Labcorp Genetics (formerly Invitae), Labcorp
Classification: Uncertain significance for Congenital myasthenic syndrome 8. Last evaluated: 2025-10-02. Review status: criteria provided, single submitter. Criteria: Invitae Variant Classification Sherloc (09022015). Collection method: clinical testing. Allele origin: germline.
Comment: This sequence change replaces aspartic acid, which is acidic and polar, with glycine, which is neutral and non-polar, at codon 1122 of the AGRN protein (p.Asp1122Gly). The frequency data for this variant in the population databases is considered unreliable, as metrics indicate poor data quality at this position in the gnomAD database. This variant has not been reported in the literature in individuals affected with AGRN-related conditions. ClinVar contains an entry for this variant (Variation ID: 1359951). An algorithm developed to predict the effect of missense changes on protein structure and function (PolyPhen-2) suggests that this variant is likely to be disruptive. In summary, the available evidence is currently insufficient to determine the role of this variant in disease. Therefore, it has been classified as a Variant of Uncertain Significance.

NM_198576.4(AGRN):c.3365A>G (p.Asp1122Gly)

Gene: AGRN (agrin; plus strand). Cytogenetic location: 1p36.33.
Variant type: single nucleotide variant.
Coding change: c.3365A>G on transcript NM_198576.4 (MANE Select); coding-DNA position 3365, A replaced by G.
Protein change: p.Asp1122Gly; replaces aspartic acid 1122 with glycine.
Molecular consequence: missense variant.
Genome position (GRCh38, 1-based): chr1:1,046,934, A>G. VCF-style: chr1-1046934-A-G. GRCh37 (hg19) VCF-style: chr1-982314-A-G.
Other names: c.3365A>G, p.Asp1122Gly (NM_001305275.2); c.3050A>G, p.Asp1017Gly (NM_001364727.2); short protein forms D1017G, D1122G.
Identifiers: ClinVar variation 1359951 (VCV001359951.8), dbSNP rs1048772741, ClinGen allele CA16759041.